The following is an entry in ClinVar:

NM_001429.4(EP300):c.5832C>T (p.His1944=)

Gene: EP300 (EP300 lysine acetyltransferase; plus strand). Cytogenetic location: 22q13.2.
Variant type: single nucleotide variant.
Coding change: c.5832C>T on transcript NM_001429.4 (MANE Select); coding-DNA position 5832, C replaced by T.
Protein change: p.His1944=; no amino-acid change (histidine 1944 retained).
Molecular consequence: synonymous variant.
Genome position (GRCh38, 1-based): chr22:41,177,543, C>T. VCF-style: chr22-41177543-C-T. GRCh37 (hg19) VCF-style: chr22-41573547-C-T.
Other names: c.5754C>T, p.His1918= (NM_001362843.2); c.5832C>T (NM_001429.3).
Identifiers: ClinVar variation 1106935 (VCV001106935.33), dbSNP rs142885571, ClinGen allele CA10253715.
Genomic context (GRCh38, chr22:41,177,543, plus strand): 5'-AGCAGTGGAAATGGCAATGCAGATTCAGAGAGCAGCGGAGACGCAGCGCCAGATGGCCCA[C>T]GTGCAAATTTTTCAAAGGCCAATCCAACACCAGATGCCCCCGATGACTCCCATGGCCCCC-3'
Protein context (NP_001420.2, residues 1934-1954): RAAETQRQMA[His1944=]VQIFQRPIQH

ClinVar aggregate classification (germline): Likely benign. Review status: criteria provided, multiple submitters, no conflicts (2 of 4 stars). 4 submissions from 4 submitters: Likely benign (3). 1 of the submissions does not count toward it. Last evaluated 2026-01-12.

Conditions:
EP300-related disorder. Also called: EP300-related disorders; EP300-related condition.
Rubinstein-Taybi syndrome due to EP300 haploinsufficiency. Also called: RUBINSTEIN-TAYBI SYNDROME 2; EP300-Related Rubinstein-Taybi Syndrome. Identifiers: Orphanet 353284, Orphanet 783, MedGen C3150941, MONDO:0013364, OMIM 613684.

Allele frequency attached by ClinVar (database versions not stated): gnomAD 0.00007; TOPMed 0.00012; ExAC 0.00014; ESP Exome Variant Server 0.00015.

Submissions (4):

Labcorp Genetics (formerly Invitae), Labcorp
Classification: Likely benign for Rubinstein-Taybi syndrome due to EP300 haploinsufficiency. Last evaluated: 2026-01-12. Review status: criteria provided, single submitter. Criteria: Invitae Variant Classification Sherloc (09022015). Collection method: clinical testing. Allele origin: germline.

CeGaT Center for Human Genetics Tuebingen
Classification: Likely benign. Last evaluated: 2025-07-01. Review status: criteria provided, single submitter. Criteria: CeGaT Center For Human Genetics Tuebingen Variant Classification Criteria Version 2. Collection method: clinical testing. Allele origin: germline. Affected: yes. Observed: 2 variant alleles.
Comment: EP300: BP4, BP7

Blueprint Genetics
Classification: Likely benign. Last evaluated: 2023-07-10. Review status: criteria provided, single submitter. Criteria: ACMG Guidelines, 2015. Collection method: clinical testing. Allele origin: germline.

PreventionGenetics, part of Exact Sciences
Classification: Likely benign for EP300-related condition. Last evaluated: 2022-03-31. Review status: no assertion criteria provided. Collection method: clinical testing. Allele origin: germline. Not counted in ClinVar's aggregate classification.
Comment: This variant is classified as likely benign based on ACMG/AMP sequence variant interpretation guidelines (Richards et al. 2015 PMID: 25741868, with internal and published modifications).